The following is an entry in ClinVar:

NM_005515.4(MNX1):c.22C>T (p.Arg8Cys)

Gene: MNX1 (motor neuron and pancreas homeobox 1; minus strand). Cytogenetic location: 7q36.3.
Variant type: single nucleotide variant.
Coding change: c.22C>T on transcript NM_005515.4 (MANE Select); coding-DNA position 22, C replaced by T.
Protein change: p.Arg8Cys; replaces arginine 8 with cysteine.
Molecular consequence: missense variant.
Genome position (GRCh38, 1-based): chr7:157,010,329, G>A on the plus strand (C>T on the coding strand, the complement: MNX1 is on the minus strand). VCF-style: chr7-157010329-G-A. GRCh37 (hg19) VCF-style: chr7-156803023-G-A.
Other names: short protein forms R8C.
Identifiers: ClinVar variation 2058947 (VCV002058947.4), dbSNP rs2537782185, ClinGen allele CA370165400.

ClinVar aggregate classification (germline): Uncertain significance (1 of 4 stars; one submission).

Submission:

Labcorp Genetics (formerly Invitae), Labcorp
Classification: Uncertain significance. Last evaluated: 2021-12-24. Review status: criteria provided, single submitter. Criteria: Invitae Variant Classification Sherloc (09022015). Collection method: clinical testing. Allele origin: germline.
Comment: This sequence change replaces arginine, which is basic and polar, with cysteine, which is neutral and slightly polar, at codon 8 of the MNX1 protein (p.Arg8Cys). This variant is not present in population databases (gnomAD no frequency). This variant has not been reported in the literature in individuals affected with MNX1-related conditions. Algorithms developed to predict the effect of missense changes on protein structure and function are either unavailable or do not agree on the potential impact of this missense change (SIFT: "Deleterious"; PolyPhen-2: "Not Available"; Align-GVGD: "Class C0"). In summary, the available evidence is currently insufficient to determine the role of this variant in disease. Therefore, it has been classified as a Variant of Uncertain Significance.